The following is an entry in ClinVar:

NM_001040108.2(MLH3):c.2164C>G (p.His722Asp)

Gene: MLH3 (mutL homolog 3; minus strand). Cytogenetic location: 14q24.3.
Variant type: single nucleotide variant.
Coding change: c.2164C>G on transcript NM_001040108.2 (MANE Select); coding-DNA position 2164, C replaced by G.
Protein change: p.His722Asp; replaces histidine 722 with aspartic acid.
Molecular consequence: missense variant.
Genome position (GRCh38, 1-based): chr14:75,047,492, G>C on the plus strand (C>G on the coding strand, the complement: MLH3 is on the minus strand). VCF-style: chr14-75047492-G-C. GRCh37 (hg19) VCF-style: chr14-75514195-G-C.
Other names: c.2164C>G, p.His722Asp (NM_014381.3); short protein forms H722D.
Identifiers: ClinVar variation 4108659 (VCV004108659.1).
Genomic context (GRCh38, chr14:75,047,492, plus strand): 5'-GGACGATTGGTTTGGAGAAACCAATTAATTTATCTGTTTTCCTACTATCATTGGAAACGT[G>C]TCTATACCAGGGGAAAGAGGGGGATGTATCAGATAATATGCAATCTGTTTGTGATTTTTT-3'
Protein context (NP_001035197.1, residues 712-732): DTSPSFPWYR[His722Asp]VSNDSRKTDK

ClinVar aggregate classification (germline): Uncertain significance (1 of 4 stars; one submission).

Submission:

Ambry Genetics
Classification: Uncertain significance. Last evaluated: 2025-08-04. Review status: criteria provided, single submitter. Criteria: Ambry Variant Classification Scheme 2023. Collection method: clinical testing. Allele origin: germline.
Comment: The p.H722D variant (also known as c.2164C>G), located in coding exon 1 of the MLH3 gene, results from a C to G substitution at nucleotide position 2164. The histidine at codon 722 is replaced by aspartic acid, an amino acid with similar properties. This amino acid position is conserved. In addition, this alteration is predicted to be tolerated by in silico analysis. Based on the available evidence, the clinical significance of this variant remains unclear.